The following is an entry in ClinVar:

NM_032043.3(BRIP1):c.3741T>A (p.Gly1247=)

Gene: BRIP1 (BRCA1 interacting DNA helicase 1; minus strand). Cytogenetic location: 17q23.2.
Variant type: single nucleotide variant.
Coding change: c.3741T>A on transcript NM_032043.3 (MANE Select); coding-DNA position 3741, T replaced by A.
Protein change: p.Gly1247=; no amino-acid change (glycine 1247 retained).
Molecular consequence: synonymous variant.
Genome position (GRCh38, 1-based): chr17:61,683,305, A>T on the plus strand (T>A on the coding strand, the complement: BRIP1 is on the minus strand). VCF-style: chr17-61683305-A-T. GRCh37 (hg19) VCF-style: chr17-59760666-A-T.
Identifiers: ClinVar variation 461166 (VCV000461166.17), dbSNP rs1555572413, ClinGen allele CA501335065.

ClinVar aggregate classification (germline): Benign/Likely benign. Review status: criteria provided, multiple submitters, no conflicts (2 of 4 stars). 4 submissions from 4 submitters: Benign (1); Likely benign (3). Last evaluated 2024-09-10.

Conditions:
Hereditary cancer-predisposing syndrome. Also called: Hereditary neoplastic syndrome; Neoplastic Syndromes, Hereditary; Tumor predisposition; Hereditary Cancer Syndrome. Identifiers: Orphanet 140162, MedGen C0027672, MeSH D009386, MONDO:0015356.
Fanconi anemia complementation group J. Also called: BRIP1-Related Fanconi Anemia. Identifiers: Orphanet 84, MedGen C1836860, MONDO:0012187, OMIM 609054.
Familial cancer of breast. Also called: BREAST CANCER, FAMILIAL; hereditary breast carcinoma; Hereditary breast cancer. Identifiers: Orphanet 227535, MedGen C0346153, MONDO:0016419, OMIM 114480. Disease mechanism: loss of function.

Allele frequency attached by ClinVar (database versions not stated): gnomAD exomes 0.00001.
gnomAD v4.1: 14 of 1,608,894 alleles (0.00087%); highest among the groups gnomAD compares: Non-Finnish European, 0.0012%; no homozygotes.

Submissions (4):

Myriad Genetics, Inc.
Classification: Benign for Familial cancer of breast. Last evaluated: 2024-09-10. Review status: criteria provided, single submitter. Criteria: Myriad Autosomal Dominant, Autosomal Recessive and X-Linked Classification Criteria (2023). Collection method: clinical testing. Allele origin: unknown.
Comment: This variant is considered benign. This variant is a silent/synonymous amino acid change and it is not expected to impact splicing.

Color Diagnostics, LLC DBA Color Health
Classification: Likely benign for Hereditary cancer-predisposing syndrome. Last evaluated: 2023-09-05. Review status: criteria provided, single submitter. Criteria: ACMG Guidelines, 2015. Collection method: clinical testing. Allele origin: germline.

Labcorp Genetics (formerly Invitae), Labcorp
Classification: Likely benign for Familial cancer of breast; Fanconi anemia complementation group J. Last evaluated: 2023-05-11. Review status: criteria provided, single submitter. Criteria: Invitae Variant Classification Sherloc (09022015). Collection method: clinical testing. Allele origin: germline.

Ambry Genetics
Classification: Likely benign for Hereditary cancer-predisposing syndrome. Last evaluated: 2021-06-11. Review status: criteria provided, single submitter. Criteria: Ambry Variant Classification Scheme 2023. Collection method: clinical testing. Allele origin: germline.